The following is an entry in ClinVar:

NM_000744.7(CHRNA4):c.77-8C>T

Gene: CHRNA4 (cholinergic receptor nicotinic alpha 4 subunit; minus strand). Cytogenetic location: 20q13.33.
Variant type: single nucleotide variant.
Coding change: c.77-8C>T on transcript NM_000744.7 (MANE Select); 8 bases into the intron before coding-DNA position 77, C replaced by T.
Molecular consequence: intron variant.
Genome position (GRCh38, 1-based): chr20:63,359,707, G>A on the plus strand (C>T on the coding strand, the complement: CHRNA4 is on the minus strand). VCF-style: chr20-63359707-G-A. GRCh37 (hg19) VCF-style: chr20-61991059-G-A.
Other names: c.-470-8C>T (NM_001256573.2).
Identifiers: ClinVar variation 3032993 (VCV003032993.3), dbSNP rs751415101, ClinGen allele CA317446115.
Genomic context (GRCh38, chr20:63,359,707, plus strand): 5'-TTTCTTCAGGAGCCGCTCCTCGGCGTGGGCCCGGGTCTCCACATGGCTGCTGGCTGCGGG[G>A]AGAGGCAGGCCAGTGGCTCAGGTGCAGGCGGGACAGGAGCCGGGAGCTGTCCAGGAGCTC-3'

ClinVar aggregate classification (germline): Likely benign. Review status: criteria provided, single submitter (1 of 4 stars). 2 submissions from 2 submitters: Likely benign (1). 1 of the submissions does not count toward it. Last evaluated 2025-03-17.

Conditions:
CHRNA4-related disorder. Also called: CHRNA4-related condition.
Familial sleep-related hypermotor epilepsy. Also called: Autosomal Dominant Sleep-Related Hypermotor (Hyperkinetic) Epilepsy. Identifiers: Orphanet 98784, MedGen C3696898, MONDO:0000030.

gnomAD v4.1: 13 of 1,609,962 alleles (0.00081%); highest among the groups gnomAD compares: African/African-American, 0.0013%; no homozygotes.

Submissions (2):

Labcorp Genetics (formerly Invitae), Labcorp
Classification: Likely benign. Last evaluated: 2025-03-17. Review status: criteria provided, single submitter. Criteria: Invitae Variant Classification Sherloc (09022015). Collection method: clinical testing. Allele origin: germline.

PreventionGenetics, part of Exact Sciences
Classification: Likely benign for CHRNA4-related condition. Last evaluated: 2020-10-06. Review status: no assertion criteria provided. Collection method: clinical testing. Allele origin: germline. Not counted in ClinVar's aggregate classification.
Comment: This variant is classified as likely benign based on ACMG/AMP sequence variant interpretation guidelines (Richards et al. 2015 PMID: 25741868, with internal and published modifications).